The following is an entry in ClinVar:

ClinVar aggregate classification (germline): Uncertain significance. Review status: criteria provided, multiple submitters, no conflicts (2 of 4 stars). 3 submissions from 3 submitters: Uncertain significance (3). Last evaluated 2025-08-20.

Conditions:
Inborn genetic diseases. Identifiers: MedGen C0950123, MeSH D030342.
Hereditary spastic paraplegia 39 (SPG39). Also called: Spastic Paraplegia Type 39 (SPG39); SPASTIC PARAPLEGIA 39, AUTOSOMAL RECESSIVE. Identifiers: Orphanet 139480, MedGen C2677586, MONDO:0012787, OMIM 612020.

gnomAD v4.1: 18 of 1,610,476 alleles (0.0011%); highest among the groups gnomAD compares: African/African-American, 0.008%; no homozygotes.

Submissions (3):

Ambry Genetics
Classification: Uncertain significance for Inborn genetic diseases. Last evaluated: 2025-08-20. Review status: criteria provided, single submitter. Criteria: Ambry Variant Classification Scheme 2023. Collection method: clinical testing. Allele origin: germline.

GeneDx
Classification: Uncertain significance. Last evaluated: 2024-03-06. Review status: criteria provided, single submitter. Criteria: GeneDx Variant Classification Process June 2021. Collection method: clinical testing. Allele origin: germline. Affected: yes.
Comment: Not observed at significant frequency in large population cohorts (gnomAD); In silico analysis supports that this missense variant has a deleterious effect on protein structure/function; Has not been previously published as pathogenic or benign to our knowledge

Labcorp Genetics (formerly Invitae), Labcorp
Classification: Uncertain significance for Hereditary spastic paraplegia 39. Last evaluated: 2022-04-20. Review status: criteria provided, single submitter. Criteria: Invitae Variant Classification Sherloc (09022015). Collection method: clinical testing. Allele origin: germline.
Comment: This sequence change replaces threonine, which is neutral and polar, with methionine, which is neutral and non-polar, at codon 244 of the PNPLA6 protein (p.Thr244Met). The frequency data for this variant in the population databases is considered unreliable, as metrics indicate poor data quality at this position in the gnomAD database. This variant has not been reported in the literature in individuals affected with PNPLA6-related conditions. Algorithms developed to predict the effect of missense changes on protein structure and function are either unavailable or do not agree on the potential impact of this missense change (SIFT: "Deleterious"; PolyPhen-2: "Probably Damaging"; Align-GVGD: "Class C0"). In summary, the available evidence is currently insufficient to determine the role of this variant in disease. Therefore, it has been classified as a Variant of Uncertain Significance.

NM_001166114.2(PNPLA6):c.848C>T (p.Thr283Met)

Gene: PNPLA6 (patatin like domain 6, lysophospholipase; plus strand). Cytogenetic location: 19p13.2.
Variant type: single nucleotide variant.
Coding change: c.848C>T on transcript NM_001166114.2 (MANE Select); coding-DNA position 848, C replaced by T.
Protein change: p.Thr283Met; replaces threonine 283 with methionine.
Molecular consequence: missense variant.
Genome position (GRCh38, 1-based): chr19:7,540,975, C>T. VCF-style: chr19-7540975-C-T. GRCh37 (hg19) VCF-style: chr19-7605861-C-T.
Other names: c.875C>T, p.Thr292Met (NM_001166111.2); c.731C>T, p.Thr244Met (NM_001166112.2, NM_001166113.1, NM_006702.5); c.731C>T (NM_006702.4); short protein forms T283M, T244M, T292M.
Identifiers: ClinVar variation 2167712 (VCV002167712.3), dbSNP rs772665971, ClinGen allele CA304864143.